The following is an entry in ClinVar:

ClinVar aggregate classification (germline): Benign. Review status: criteria provided, multiple submitters, no conflicts (2 of 4 stars). 6 submissions from 6 submitters: Benign (5). 1 of the submissions does not count toward it. Last evaluated 2026-02-04.

Conditions:
Maple syrup urine disease (MSUD). Identifiers: Orphanet 511, MedGen C0024776, MeSH D008375, MONDO:0009563. Disease mechanism: loss of function.
Maple syrup urine disease type 1A (MSUD1A). Also called: MSUD type 1A. Identifiers: MedGen C1855369, MONDO:0023691, OMIM 248600.

Allele frequency attached by ClinVar (database versions not stated): ExAC 0.01194; gnomAD 0.02713; 1000 Genomes Project 0.03075; 1000 Genomes Project 30x 0.03186; TOPMed 0.03203; ESP Exome Variant Server 0.03268.

Submissions (6):

Labcorp Genetics (formerly Invitae), Labcorp
Classification: Benign for Maple syrup urine disease. Last evaluated: 2026-02-04. Review status: criteria provided, single submitter. Criteria: Invitae Variant Classification Sherloc (09022015). Collection method: clinical testing. Allele origin: germline.

Illumina Laboratory Services, Illumina
Classification: Benign for Maple syrup urine disease type 1A. Last evaluated: 2018-01-12. Review status: criteria provided, single submitter. Criteria: ICSL Variant Classification Criteria 13 December 2019. Collection method: clinical testing. Allele origin: germline.
Comment: This variant was observed in the ICSL laboratory as part of a predisposition screen in an ostensibly healthy population. It had not been previously curated by ICSL or reported in the Human Gene Mutation Database (HGMD: prior to June 1st, 2018), and was therefore a candidate for classification through an automated scoring system. Utilizing variant allele frequency, disease prevalence and penetrance estimates, and inheritance mode, an automated score was calculated to assess if this variant is too frequent to cause the disease. Based on the score and internal cut-off values, a variant classified as benign is not then subjected to further curation. The score for this variant resulted in a classification of benign for this disease.

GeneDx
Classification: Benign. Last evaluated: 2016-01-08. Review status: criteria provided, single submitter. Criteria: GeneDx Variant Classification (06012015). Collection method: clinical testing. Allele origin: germline. Affected: yes.
Comment: This variant is considered likely benign or benign based on one or more of the following criteria: it is a conservative change, it occurs at a poorly conserved position in the protein, it is predicted to be benign by multiple in silico algorithms, and/or has population frequency not consistent with disease.

Eurofins Ntd Llc (ga)
Classification: Benign. Last evaluated: 2013-08-23. Review status: criteria provided, single submitter. Criteria: EGL Classification Definitions 2015. Collection method: clinical testing. Allele origin: germline. Observed: 5 variant alleles, 5 heterozygotes.

Breakthrough Genomics
Classification: Benign. Review status: criteria provided, single submitter. Criteria: ACMG Guidelines, 2015. Collection method: not provided. Allele origin: germline. Inheritance: Autosomal recessive inheritance. Affected: yes.

Natera, Inc.
Classification: Benign for Maple syrup urine disease type 1A. Last evaluated: 2020-09-16. Review status: no assertion criteria provided. Collection method: clinical testing. Allele origin: germline. Not counted in ClinVar's aggregate classification.

NM_000709.4(BCKDHA):c.996-6G>A

Gene: BCKDHA (branched chain keto acid dehydrogenase E1 subunit alpha; plus strand). Cytogenetic location: 19q13.2.
Variant type: single nucleotide variant.
Coding change: c.996-6G>A on transcript NM_000709.4 (MANE Select); 6 bases into the intron before coding-DNA position 996, G replaced by A.
Molecular consequence: intron variant.
Genome position (GRCh38, 1-based): chr19:41,422,992, G>A. VCF-style: chr19-41422992-G-A. GRCh37 (hg19) VCF-style: chr19-41928897-G-A.
Other names: c.993-6G>A (NM_001164783.2).
Identifiers: ClinVar variation 93390 (VCV000093390.20), dbSNP rs74586298, ClinGen allele CA146885.